The following is an entry in ClinVar:

NM_000302.4(PLOD1):c.1328+2_1328+3delTG

Gene: PLOD1 (procollagen-lysine,2-oxoglutarate 5-dioxygenase 1; plus strand). Cytogenetic location: 1p36.22.
Variant type: Microsatellite.
Coding change: c.1328+2_1328+3delTG on transcript NM_000302.4 (MANE Select); the canonical splice donor site of the intron after coding-DNA position 1328 through 3 bases into the intron after coding-DNA position 1328, 2 bases deleted (TG).
Molecular consequence: splice donor variant.
Genome position (GRCh38, 1-based): chr1:11,964,302-11,964,303, TG deleted; deleting any 2 consecutive bases within chr1:11,964,297-11,964,303 gives the same sequence; the c. name uses the placement nearest the transcript's 3' end. VCF-style (leftmost placement, unchanged base first): chr1-11964296-CGT-C. GRCh37 (hg19) VCF-style: chr1-12024353-CGT-C.
Identifiers: ClinVar variation 3902792 (VCV003902792.1).
Genomic context (GRCh38, chr1:11,964,296, plus strand): 5'-CTCAGTGCAGATGGCTACTATGCCCGTTCCGAGGACTACGTGGACATTGTGCAGGGGCGG[CGT>C]GTGTGAGTACCTGCAGGGTGGGGGTGGGTGGGGGACACCTTCATCTGGCTTCTGCCTGGG-3'

ClinVar aggregate classification (germline): Likely pathogenic (1 of 4 stars; one submission).

Conditions:
Ehlers-Danlos syndrome, kyphoscoliotic type 1 (EDSKSCL1). Also called: EHLERS-DANLOS SYNDROME, TYPE VIA; PLOD1-Related Kyphoscoliotic Ehlers-Danlos Syndrome; Ehlers-Danlos syndrome, hydroxylysine-deficient; EHLERS-DANLOS SYNDROME, OCULAR-SCOLIOTIC TYPE. Identifiers: Orphanet 1900, MedGen C0268342, MONDO:0016002, OMIM 225400. Disease mechanism: loss of function.

Submission:

Women's Health and Genetics/Laboratory Corporation of America, LabCorp
Classification: Likely pathogenic for Ehlers-Danlos syndrome, kyphoscoliotic type 1. Last evaluated: 2025-05-20. Review status: criteria provided, single submitter. Criteria: LabCorp Variant Classification Summary - May 2015. Collection method: clinical testing. Allele origin: germline.
Comment: Variant summary: PLOD1 c.1328+2_1328+3delTG is located in a canonical splice-site and is predicted to affect mRNA splicing resulting in a significantly altered protein due to either exon skipping, shortening, or inclusion of intronic material. Variants that disrupt the consensus splice site are a relatively common cause of aberrant splicing and loss of PLOD1 function. Several computational tools predict a significant impact on normal splicing: Two predict the variant abolishes a canonical 5' splicing donor site. Four predict the variant creates a cryptic 5' donor site. However, these predictions have yet to be confirmed by functional studies. The variant was absent in 248570 control chromosomes. To our knowledge, no occurrence of c.1328+2_1328+3delTG in individuals affected with Ehlers-Danlos syndrome, kyphoscoliotic type 1 and no experimental evidence demonstrating its impact on protein function have been reported. No submitters have cited clinical-significance assessments for this variant to ClinVar. Based on the evidence outlined above, the variant was classified as likely pathogenic.